The following is an entry in ClinVar:

NM_006859.4(LIAS):c.313-38_367del

Gene: LIAS (lipoic acid synthetase; plus strand). Cytogenetic location: 4p14.
Variant type: Deletion.
Coding change: c.313-38_367del on transcript NM_006859.4 (MANE Select); 38 bases into the intron before coding-DNA position 313 through coding-DNA position 367, 93 bases deleted.
Molecular consequence: splice acceptor variant.
Genome position (GRCh38, 1-based): chr4:39,463,487-39,463,579, 93 bases deleted. GRCh37 (hg19): chr4:39,465,107-39,465,199.
Other names: c.313-38_367del (NM_194451.3, NM_001278590.2, NM_001278591.2); c.219-38_273del (NM_001363700.2, NM_001278592.2).
Identifiers: ClinVar variation 4845692 (VCV004845692.1).

ClinVar aggregate classification (germline): Likely pathogenic (1 of 4 stars; one submission).

Conditions:
Lipoic acid synthetase deficiency. Also called: HYPERGLYCINEMIA, LACTIC ACIDOSIS, AND SEIZURES. Identifiers: Orphanet 401859, MedGen C3280887, MONDO:0013762, OMIM 614462.

Submission:

First Genomix Gene Laboratory, Genetic Diagnostics Department
Classification: Likely pathogenic for Lipoic acid synthetase deficiency. Last evaluated: 2025-01-16. Review status: criteria provided, single submitter. Criteria: ACMG Guidelines, 2015. Collection method: clinical testing. Allele origin: germline. Inheritance: Autosomal recessive inheritance. Affected: no. Observed: 1 variant allele.